The following is an entry in ClinVar:

ClinVar aggregate classification (germline): Uncertain significance. Review status: criteria provided, multiple submitters, no conflicts (2 of 4 stars). 2 submissions from 2 submitters: Uncertain significance (2). Last evaluated 2025-08-23.

Conditions:
Inborn genetic diseases. Identifiers: MedGen C0950123, MeSH D030342.
Leber congenital amaurosis 4 (LCA4). Identifiers: MedGen C1858386, MONDO:0011458, OMIM 604393.

Submissions (2):

Ambry Genetics
Classification: Uncertain significance for Inborn genetic diseases. Last evaluated: 2025-08-23. Review status: criteria provided, single submitter. Criteria: Ambry Variant Classification Scheme 2023. Collection method: clinical testing. Allele origin: germline.

Labcorp Genetics (formerly Invitae), Labcorp
Classification: Uncertain significance for Leber congenital amaurosis 4. Last evaluated: 2025-01-01. Review status: criteria provided, single submitter. Criteria: Invitae Variant Classification Sherloc (09022015). Collection method: clinical testing. Allele origin: germline.
Comment: This sequence change replaces glutamic acid, which is acidic and polar, with glutamine, which is neutral and polar, at codon 86 of the AIPL1 protein (p.Glu86Gln). This variant is present in population databases (rs549595673, gnomAD 0.02%). This variant has not been reported in the literature in individuals affected with AIPL1-related conditions. Invitae Evidence Modeling of protein sequence and biophysical properties (such as structural, functional, and spatial information, amino acid conservation, physicochemical variation, residue mobility, and thermodynamic stability) has been performed for this missense variant. However, the output from this modeling did not meet the statistical confidence thresholds required to predict the impact of this variant on AIPL1 protein function. In summary, the available evidence is currently insufficient to determine the role of this variant in disease. Therefore, it has been classified as a Variant of Uncertain Significance.

NM_014336.5(AIPL1):c.256G>C (p.Glu86Gln)

Gene: AIPL1 (AIP like 1 HSP90 co-chaperone; minus strand). Cytogenetic location: 17p13.2.
Variant type: single nucleotide variant.
Coding change: c.256G>C on transcript NM_014336.5 (MANE Select); coding-DNA position 256, G replaced by C.
Protein change: p.Glu86Gln; replaces glutamic acid 86 with glutamine.
Molecular consequence: missense variant. On other transcripts: intron variant (1).
Genome position (GRCh38, 1-based): chr17:6,433,939, C>G on the plus strand (G>C on the coding strand, the complement: AIPL1 is on the minus strand). VCF-style: chr17-6433939-C-G. GRCh37 (hg19) VCF-style: chr17-6337259-C-G.
Other names: c.256G>C, p.Glu86Gln (NM_001033054.3, NM_001285401.3, NM_001285403.4); c.220G>C, p.Glu74Gln (NM_001285399.3); c.190G>C, p.Glu64Gln (NM_001285400.3); c.139G>C, p.Glu47Gln (NM_001285402.2); c.96+1070G>C (NM_001033055.3); c.256G>C (NM_014336.3); short protein forms E86Q, E64Q, E74Q, E47Q.
Identifiers: ClinVar variation 3684886 (VCV003684886.3).